The following is an entry in ClinVar:

NM_001330691.3(CEP78):c.1554del (p.Gly519fs)

Gene: CEP78 (centrosomal protein 78; plus strand). Cytogenetic location: 9q21.2.
Variant type: Deletion.
Coding change: c.1554del on transcript NM_001330691.3 (MANE Select); coding-DNA position 1554, one base deleted (A; older notation c.1554delA).
Protein change: p.Gly519fs; shifts the reading frame from glycine 519.
Molecular consequence: frameshift variant.
Genome position (GRCh38, 1-based): chr9:78,264,245, A deleted; the last of 2 consecutive A bases (chr9:78,264,244-78,264,245); deleting either gives the same sequence. VCF-style (leftmost placement, unchanged base first): chr9-78264243-GA-G. GRCh37 (hg19) VCF-style: chr9-80879159-GA-G.
Other names: c.1557del, p.Gly520fs (NM_001349839.2, NM_001349840.2, NM_032171.3 and 1 more transcripts); c.1554del, p.Gly519fs (NM_001330694.2, NM_001349838.2, NM_001330693.3); short protein forms G519fs, G520fs.
Identifiers: ClinVar variation 2751058 (VCV002751058.3), dbSNP rs2489527464, ClinGen allele CA2697557818.

ClinVar aggregate classification (germline): Pathogenic (1 of 4 stars; one submission).

Submission:

Labcorp Genetics (formerly Invitae), Labcorp
Classification: Pathogenic. Last evaluated: 2023-08-07. Review status: criteria provided, single submitter. Criteria: Invitae Variant Classification Sherloc (09022015). Collection method: clinical testing. Allele origin: germline.
Comment: For these reasons, this variant has been classified as Pathogenic. This sequence change creates a premature translational stop signal (p.Gly520Valfs*34) in the CEP78 gene. It is expected to result in an absent or disrupted protein product. Loss-of-function variants in CEP78 are known to be pathogenic (PMID: 27588451, 27588452, 27627988). This variant is not present in population databases (gnomAD no frequency). This variant has not been reported in the literature in individuals affected with CEP78-related conditions.

Literature cited by the submitters: PubMed 27588451; PubMed 27588452; PubMed 27627988.